The following is an entry in ClinVar:

ClinVar aggregate classification (germline): Uncertain significance (1 of 4 stars; one submission).

Submission:

GeneDx
Classification: Uncertain significance. Last evaluated: 2023-02-14. Review status: criteria provided, single submitter. Criteria: GeneDx Variant Classification Process June 2021. Collection method: clinical testing. Allele origin: germline. Affected: yes.
Comment: Not observed at significant frequency in large population cohorts (gnomAD); Missense variants in this gene are often considered pathogenic (HGMD); In silico analysis supports that this missense variant does not alter protein structure/function; Has not been previously published as pathogenic or benign to our knowledge; This substitution is predicted to be in the cytoplasmic loop between the first and second homologous domains

NM_001330260.2(SCN8A):c.1916G>C (p.Arg639Pro)

Gene: SCN8A (sodium voltage-gated channel alpha subunit 8; plus strand). Cytogenetic location: 12q13.13.
Variant type: single nucleotide variant.
Coding change: c.1916G>C on transcript NM_001330260.2 (MANE Select); coding-DNA position 1916, G replaced by C.
Protein change: p.Arg639Pro; replaces arginine 639 with proline.
Molecular consequence: missense variant.
Genome position (GRCh38, 1-based): chr12:51,721,826, G>C. VCF-style: chr12-51721826-G-C. GRCh37 (hg19) VCF-style: chr12-52115610-G-C.
Other names: c.1916G>C, p.Arg639Pro (NM_001177984.3, NM_001369788.1, NM_014191.4); short protein forms R639P.
Identifiers: ClinVar variation 2575868 (VCV002575868.1), dbSNP rs2540204430, ClinGen allele CA385229853.